The following is an entry in ClinVar:

ClinVar aggregate classification (germline): Uncertain significance (1 of 4 stars; one submission).

Allele frequency attached by ClinVar (database versions not stated): gnomAD exomes below 0.00001 and 0.00001; gnomAD 0.00001.
gnomAD v4.1: 7 of 1,601,676 alleles (0.00044%); highest among the groups gnomAD compares: African/African-American, 0.0013%; no homozygotes.

Submission:

Labcorp Genetics (formerly Invitae), Labcorp
Classification: Uncertain significance. Last evaluated: 2021-08-12. Review status: criteria provided, single submitter. Criteria: Invitae Variant Classification Sherloc (09022015). Collection method: clinical testing. Allele origin: germline.
Comment: This sequence change replaces proline with serine at codon 867 of the COL18A1 protein (p.Pro867Ser). This variant is not present in population databases (ExAC no frequency). This variant has not been reported in the literature in individuals affected with COL18A1-related conditions. Experimental studies and prediction algorithms are not available or were not evaluated, and the functional significance of this variant is currently unknown. In summary, the available evidence is currently insufficient to determine the role of this variant in disease. Therefore, it has been classified as a Variant of Uncertain Significance.

NM_001379500.1(COL18A1):c.2599C>T (p.Pro867Ser)

Gene: COL18A1 (collagen type XVIII alpha 1 chain; plus strand). Cytogenetic location: 21q22.3.
Variant type: single nucleotide variant.
Coding change: c.2599C>T on transcript NM_001379500.1 (MANE Select); coding-DNA position 2599, C replaced by T.
Protein change: p.Pro867Ser; replaces proline 867 with serine.
Molecular consequence: missense variant.
Genome position (GRCh38, 1-based): chr21:45,497,071, C>T. VCF-style: chr21-45497071-C-T. GRCh37 (hg19) VCF-style: chr21-46916985-C-T.
Other names: c.3139C>T, p.Pro1047Ser (NM_030582.4); c.3844C>T, p.Pro1282Ser (NM_130444.3); short protein forms P1282S, P867S, P1047S.
Identifiers: ClinVar variation 1503720 (VCV001503720.3), dbSNP rs1437717018, ClinGen allele CA410498085.